The following is an entry in ClinVar:

NM_022726.4(ELOVL4):c.931G>A (p.Ala311Thr)

Gene: ELOVL4 (ELOVL fatty acid elongase 4; minus strand). Cytogenetic location: 6q14.1.
Variant type: single nucleotide variant.
Coding change: c.931G>A on transcript NM_022726.4 (MANE Select); coding-DNA position 931, G replaced by A.
Protein change: p.Ala311Thr; replaces alanine 311 with threonine.
Molecular consequence: missense variant.
Genome position (GRCh38, 1-based): chr6:79,916,622, C>T on the plus strand (G>A on the coding strand, the complement: ELOVL4 is on the minus strand). VCF-style: chr6-79916622-C-T. GRCh37 (hg19) VCF-style: chr6-80626339-C-T.
Other names: short protein forms A311T.
Identifiers: ClinVar variation 281603 (VCV000281603.22), dbSNP rs189898207, ClinGen allele CA3901442.

ClinVar aggregate classification (germline): Conflicting classifications of pathogenicity. Review status: criteria provided, conflicting classifications (1 of 4 stars). 6 submissions from 6 submitters: Uncertain significance (1); Benign (1); Likely benign (4). Last evaluated 2026-06-01.

Conditions:
ELOVL4-related disorder. Also called: ELOVL4-related disorders; ELOVL4-related condition.

Allele frequency attached by ClinVar (database versions not stated): gnomAD exomes 0.00008 and 0.00041; ExAC 0.00011; 1000 Genomes Project 30x 0.00078; 1000 Genomes Project 0.00080; gnomAD 0.00084; TOPMed 0.00086.
gnomAD v4.1: 244 of 1,614,022 alleles (0.015%); highest among the groups gnomAD compares: Admixed American, 0.4%; 4 homozygotes.

Submissions (6):

CeGaT Center for Human Genetics Tuebingen
Classification: Likely benign. Last evaluated: 2026-06-01. Review status: criteria provided, single submitter. Criteria: CeGaT Center For Human Genetics Tuebingen Variant Classification Criteria Version 2. Collection method: clinical testing. Allele origin: germline. Affected: yes. Observed: 2 variant alleles.
Comment: ELOVL4: BP4

Labcorp Genetics (formerly Invitae), Labcorp
Classification: Likely benign. Last evaluated: 2026-01-20. Review status: criteria provided, single submitter. Criteria: Invitae Variant Classification Sherloc (09022015). Collection method: clinical testing. Allele origin: germline.

PreventionGenetics, part of Exact Sciences
Classification: Likely benign for ELOVL4-related condition. Last evaluated: 2025-08-12. Review status: criteria provided, single submitter. Criteria: ACMG Guidelines, 2015. Collection method: clinical testing. Allele origin: germline.
Comment: This variant is classified as likely benign based on ACMG/AMP sequence variant interpretation guidelines (Richards et al. 2015 PMID: 25741868, with internal and published modifications).

Blueprint Genetics
Classification: Benign. Last evaluated: 2022-08-31. Review status: criteria provided, single submitter. Criteria: ACMG Guidelines, 2015. Collection method: clinical testing. Allele origin: germline.

GeneDx
Classification: Likely benign. Last evaluated: 2019-11-27. Review status: criteria provided, single submitter. Criteria: GeneDx Variant Classification Process June 2021. Collection method: clinical testing. Allele origin: germline. Affected: yes.
Comment: See Variant Classification Assertion Criteria.

Eurofins Ntd Llc (ga)
Classification: Uncertain significance. Last evaluated: 2015-06-26. Review status: criteria provided, single submitter. Criteria: EGL Classification Definitions 2015. Collection method: clinical testing. Allele origin: germline. Observed: 1 variant allele, 1 heterozygote.